The following is an entry in ClinVar:

NM_183075.3(CYP2U1):c.143G>T (p.Trp48Leu)

Genes: CYP2U1 (cytochrome P450 family 2 subfamily U member 1; plus strand), CYP2U1-AS1 (CYP2U1 and SGMS2 antisense RNA 1; minus strand). Cytogenetic location: 4q25.
Variant type: single nucleotide variant.
Coding change: c.143G>T on transcript NM_183075.3 (MANE Select); coding-DNA position 143, G replaced by T.
Protein change: p.Trp48Leu; replaces tryptophan 48 with leucine.
Molecular consequence: missense variant.
Genome position (GRCh38, 1-based): chr4:107,931,786, G>T. VCF-style: chr4-107931786-G-T. GRCh37 (hg19) VCF-style: chr4-108852942-G-T.
Other names: short protein forms W48L.
Identifiers: ClinVar variation 2877957 (VCV002877957.3), dbSNP rs2476954296, ClinGen allele CA357831807.

ClinVar aggregate classification (germline): Uncertain significance (1 of 4 stars; one submission).

Conditions:
Spastic paraplegia. Identifiers: MedGen C0037772, HP:0001258.

Submission:

Labcorp Genetics (formerly Invitae), Labcorp
Classification: Uncertain significance for Spastic paraplegia. Last evaluated: 2024-04-08. Review status: criteria provided, single submitter. Criteria: Invitae Variant Classification Sherloc (09022015). Collection method: clinical testing. Allele origin: germline.
Comment: This sequence change replaces tryptophan, which is neutral and slightly polar, with leucine, which is neutral and non-polar, at codon 48 of the CYP2U1 protein (p.Trp48Leu). This variant is not present in population databases (gnomAD no frequency). This variant has not been reported in the literature in individuals affected with CYP2U1-related conditions. Advanced modeling of protein sequence and biophysical properties (such as structural, functional, and spatial information, amino acid conservation, physicochemical variation, residue mobility, and thermodynamic stability) performed at Invitae indicates that this missense variant is not expected to disrupt CYP2U1 protein function with a negative predictive value of 95%. In summary, the available evidence is currently insufficient to determine the role of this variant in disease. Therefore, it has been classified as a Variant of Uncertain Significance.